The following is an entry in ClinVar:

ClinVar aggregate classification (germline): Conflicting classifications of pathogenicity. Review status: criteria provided, conflicting classifications (1 of 4 stars). 2 submissions from 2 submitters: Likely pathogenic (1); Uncertain significance (1). Last evaluated 2025-09-18.

Conditions:
Hereditary nonpolyposis colorectal neoplasms. Identifiers: MedGen C0009405, MeSH D003123.
Hereditary cancer-predisposing syndrome. Also called: Neoplastic Syndromes, Hereditary; Tumor predisposition; Hereditary neoplastic syndrome; Hereditary Cancer Syndrome. Identifiers: Orphanet 140162, MedGen C0027672, MeSH D009386, MONDO:0015356.

Submissions (2):

Ambry Genetics
Classification: Likely pathogenic for Hereditary cancer-predisposing syndrome. Last evaluated: 2025-09-18. Review status: criteria provided, single submitter. Criteria: Ambry Variant Classification Scheme 2023. Collection method: clinical testing. Allele origin: germline.
Comment: The c.2911_2913delGGG variant (also known as p.G971del) is located in coding exon 4 of the MSH6 gene. This variant results from an in-frame GGG deletion at nucleotide positions 2911 to 2913. This results in the in-frame deletion of a glycine at codon 971. However, a second tumor demonstrated loss of MSH6, while a third tumor from the same proband demonstrated normal mismatch repair protein expression by IHC. Based on internal structural analysis, this variant disrupts linear motifs (Warren JJ et al. Mol Cell, 2007 May;26:579-92). This amino acid position is highly conserved in available vertebrate species. In addition, this alteration is predicted to be deleterious by in silico analysis (Choi Y et al. PLoS ONE. 2012; 7(10):e46688). This variant is considered to be rare based on population cohorts in the Genome Aggregation Database (gnomAD). Based on the majority of available evidence to date, this variant is likely to be pathogenic.

Labcorp Genetics (formerly Invitae), Labcorp
Classification: Uncertain significance for Hereditary nonpolyposis colorectal neoplasms. Last evaluated: 2020-11-24. Review status: criteria provided, single submitter. Criteria: Invitae Variant Classification Sherloc (09022015). Collection method: clinical testing. Allele origin: germline.
Comment: This variant, c.2911_2913del, results in the deletion of 1 amino acid(s) of the MSH6 protein (p.Gly971del), but otherwise preserves the integrity of the reading frame. This variant is not present in population databases (ExAC no frequency). This variant has been reported in individuals in the Universal Mutation Database (PMID: 10612827). Experimental studies and prediction algorithms are not available or were not evaluated, and the functional significance of this variant is currently unknown. In summary, the available evidence is currently insufficient to determine the role of this variant in disease. Therefore, it has been classified as a Variant of Uncertain Significance.

Literature cited by the submitters: PubMed 17531815 (cited by Ambry Genetics); PubMed 10612827 (cited by Labcorp Genetics (formerly Invitae), Labcorp).

NM_000179.3(MSH6):c.2911_2913del (p.Gly971del)

Gene: MSH6 (mutS homolog 6; plus strand). Cytogenetic location: 2p16.3.
Variant type: Deletion.
Coding change: c.2911_2913del on transcript NM_000179.3 (MANE Select); coding-DNA positions 2911 to 2913, 3 bases deleted (GGG; older notation c.2911_2913delGGG).
Protein change: p.Gly971del; deletes glycine 971.
Molecular consequence: inframe deletion.
Genome position (GRCh38, 1-based): chr2:47,800,894-47,800,896, GGG deleted; deleting any 3 consecutive bases within chr2:47,800,892-47,800,896 gives the same sequence; the c. name uses the placement nearest the transcript's 3' end. VCF-style (leftmost placement, unchanged base first): chr2-47800891-TGGG-T. GRCh37 (hg19) VCF-style: chr2-48028030-TGGG-T.
Other names: c.2521_2523del, p.Gly841del (NM_001281492.2); c.2005_2007del, p.Gly669del (NM_001281493.2, NM_001281494.2); c.2911_2913delGGG (NM_000179.2); short protein forms G669del, G971del, G841del.
Identifiers: ClinVar variation 840091 (VCV000840091.13), dbSNP rs1054003194, ClinGen allele CA46712442.
Genomic context (GRCh38, chr2:47,800,891, plus strand): 5'-AGCCTCCTGGAATACCTAGAGAAACAGCGCAACAGAATTGGCTGTAGGACCATAGTCTAT[TGGG>T]GGATTGGTAGGAACCGTTACCAGCTGGAAATTCCTGAGAATTTCACCACTCGCAATTTGC-3'